The following is an entry in ClinVar:

NM_001277115.2(DNAH11):c.966dup (p.Leu323fs)

Gene: DNAH11 (dynein axonemal heavy chain 11; plus strand). Cytogenetic location: 7p15.3.
Variant type: Duplication.
Coding change: c.966dup on transcript NM_001277115.2 (MANE Select); coding-DNA position 966, one base duplicated (T; older notation c.966dupT).
Protein change: p.Leu323fs; shifts the reading frame from leucine 323.
Molecular consequence: frameshift variant.
Genome position (GRCh38, 1-based): chr7:21,561,154, T duplicated; the last of 5 consecutive T bases (chr7:21,561,150-21,561,154); duplicating any one gives the same sequence. VCF-style (leftmost placement, unchanged base first): chr7-21561149-A-AT. GRCh37 (hg19) VCF-style: chr7-21600767-A-AT.
Other names: c.966dup, p.Leu323Serfs (NM_003777.3); short protein forms L323fs.
Identifiers: ClinVar variation 1767732 (VCV001767732.5), dbSNP rs1462707634, ClinGen allele CA572912899.
Genomic context (GRCh38, chr7:21,561,149, plus strand): 5'-CTCAAAATGGTTAAGATCCTGACAACTAAACAAAGCAGCTATTTTCCTACTCTGAAGGAC[A>AT]TTTTTCTGGCTGTGGAAAATGGTAAGACTCTTGTTCCTCAGCCTGGCATCAATATCACCA-3'

ClinVar aggregate classification (germline): Pathogenic. Review status: criteria provided, multiple submitters, no conflicts (2 of 4 stars). 2 submissions from 2 submitters: Pathogenic (2). Last evaluated 2023-12-12.

Conditions:
Primary ciliary dyskinesia. Also called: Ciliary dyskinesia. Identifiers: Orphanet 244, MedGen C0008780, MONDO:0016575, HP:0012265.

Submissions (2):

Labcorp Genetics (formerly Invitae), Labcorp
Classification: Pathogenic for Primary ciliary dyskinesia. Last evaluated: 2023-12-12. Review status: criteria provided, single submitter. Criteria: Invitae Variant Classification Sherloc (09022015). Collection method: clinical testing. Allele origin: germline.
Comment: This sequence change creates a premature translational stop signal (p.Leu323Serfs*57) in the DNAH11 gene. It is expected to result in an absent or disrupted protein product. Loss-of-function variants in DNAH11 are known to be pathogenic (PMID: 18022865, 20513915, 22184204). The frequency data for this variant in the population databases is considered unreliable, as metrics indicate poor data quality at this position in the gnomAD database. This variant has not been reported in the literature in individuals affected with DNAH11-related conditions. ClinVar contains an entry for this variant (Variation ID: 1767732). For these reasons, this variant has been classified as Pathogenic.

Ambry Genetics
Classification: Pathogenic for Primary ciliary dyskinesia. Last evaluated: 2020-10-01. Review status: criteria provided, single submitter. Criteria: Ambry Variant Classification Scheme 2023. Collection method: clinical testing. Allele origin: germline.
Comment: The c.966dupT pathogenic mutation, located in coding exon 5 of the DNAH11 gene, results from a duplication of T at nucleotide position 966, causing a translational frameshift with a predicted alternate stop codon (p.L323Sfs*57). This alteration is expected to result in loss of function by premature protein truncation or nonsense-mediated mRNA decay. As such, this alteration is interpreted as a disease-causing mutation.

Literature cited by the submitters: PubMed 18022865 (cited by Labcorp Genetics (formerly Invitae), Labcorp); PubMed 20513915 (cited by Labcorp Genetics (formerly Invitae), Labcorp); PubMed 22184204 (cited by Labcorp Genetics (formerly Invitae), Labcorp).